The following is an entry in ClinVar:

ClinVar aggregate classification (germline): Likely benign (0 of 4 stars; one submission).

Conditions:
BBS5-related disorder. Also called: BBS5-related condition.

gnomAD v4.1: 4 of 1,614,020 alleles (0.00025%); highest among the groups gnomAD compares: Non-Finnish European, 0.00025%; no homozygotes.

Submission:

PreventionGenetics, part of Exact Sciences
Classification: Likely benign for BBS5-related condition. Last evaluated: 2022-02-21. Review status: no assertion criteria provided. Collection method: clinical testing. Allele origin: germline.
Comment: This variant is classified as likely benign based on ACMG/AMP sequence variant interpretation guidelines (Richards et al. 2015 PMID: 25741868, with internal and published modifications).

NM_152384.3(BBS5):c.-9T>C

Genes: BBS5 (Bardet-Biedl syndrome 5; plus strand), LOC129935068 (ATAC-STARR-seq lymphoblastoid active region 16738; plus strand). Cytogenetic location: 2q31.1.
Variant type: single nucleotide variant.
Coding change: c.-9T>C on transcript NM_152384.3 (MANE Select); 9 bases upstream of the start codon, T replaced by C.
Molecular consequence: 5 prime UTR variant.
Genome position (GRCh38, 1-based): chr2:169,479,545, T>C. VCF-style: chr2-169479545-T-C. GRCh37 (hg19) VCF-style: chr2-170336055-T-C.
Identifiers: ClinVar variation 3355682 (VCV003355682.1).